The following is an entry in ClinVar:

NM_003072.5(SMARCA4):c.4034C>T (p.Ser1345Leu)

Gene: SMARCA4 (SWI/SNF related BAF chromatin remodeling complex subunit ATPase 4; plus strand). Cytogenetic location: 19p13.2.
Variant type: single nucleotide variant.
Coding change: c.4034C>T on transcript NM_003072.5 (MANE Select); coding-DNA position 4034, C replaced by T.
Protein change: p.Ser1345Leu; replaces serine 1345 with leucine.
Molecular consequence: missense variant. On other transcripts: non-coding transcript variant (1).
Genome position (GRCh38, 1-based): chr19:11,034,996, C>T. VCF-style: chr19-11034996-C-T. GRCh37 (hg19) VCF-style: chr19-11145672-C-T.
Other names: c.4034C>T, p.Ser1345Leu (NM_001128844.3, NM_001128849.3, NM_001387283.1); c.3935C>T, p.Ser1312Leu (NM_001128845.2, NM_001128846.2, NM_001128847.4 and 2 more transcripts); short protein forms S1345L, S1312L.
Identifiers: ClinVar variation 537807 (VCV000537807.8), dbSNP rs746533073, ClinGen allele CA305291497.

ClinVar aggregate classification (germline): Uncertain significance (1 of 4 stars; one submission).

Conditions:
Rhabdoid tumor predisposition syndrome 2 (RTPS2). Identifiers: Orphanet 231108, Orphanet 69077, MedGen C2750074, MONDO:0013224, OMIM 613325.

Allele frequency attached by ClinVar (database versions not stated): gnomAD exomes below 0.00001.
gnomAD v4.1: 1 of 1,610,416 alleles (0.000062%); highest among the groups gnomAD compares: Non-Finnish European, 0.000085%; no homozygotes.

Submission:

Labcorp Genetics (formerly Invitae), Labcorp
Classification: Uncertain significance for Rhabdoid tumor predisposition syndrome 2. Last evaluated: 2020-01-31. Review status: criteria provided, single submitter. Criteria: Invitae Variant Classification Sherloc (09022015). Collection method: clinical testing. Allele origin: germline.
Comment: In summary, the available evidence is currently insufficient to determine the role of this variant in disease. Therefore, it has been classified as a Variant of Uncertain Significance. Algorithms developed to predict the effect of missense changes on protein structure and function do not agree on the potential impact of this missense change (SIFT: "Deleterious"; PolyPhen-2: "Benign"; Align-GVGD: "Class C0"). This variant has not been reported in the literature in individuals with SMARCA4-related disease. This variant is not present in population databases (ExAC no frequency). This sequence change replaces serine with leucine at codon 1345 of the SMARCA4 protein (p.Ser1345Leu). The serine residue is moderately conserved and there is a large physicochemical difference between serine and leucine.